The following is an entry in ClinVar:

ClinVar aggregate classification (germline): Uncertain significance (1 of 4 stars; one submission).

Allele frequency attached by ClinVar (database versions not stated): gnomAD exomes below 0.00001; ExAC 0.00001.
gnomAD v4.1: 2 of 1,613,924 alleles (0.00012%); highest among the groups gnomAD compares: Non-Finnish European, 0.00017%; no homozygotes.

Submission:

Labcorp Genetics (formerly Invitae), Labcorp
Classification: Uncertain significance. Last evaluated: 2024-12-07. Review status: criteria provided, single submitter. Criteria: Invitae Variant Classification Sherloc (09022015). Collection method: clinical testing. Allele origin: germline.
Comment: This sequence change replaces threonine, which is neutral and polar, with serine, which is neutral and polar, at codon 143 of the DEAF1 protein (p.Thr143Ser). This variant is present in population databases (rs765741994, gnomAD 0.0009%). This variant has not been reported in the literature in individuals affected with DEAF1-related conditions. ClinVar contains an entry for this variant (Variation ID: 1721875). Invitae Evidence Modeling of protein sequence and biophysical properties (such as structural, functional, and spatial information, amino acid conservation, physicochemical variation, residue mobility, and thermodynamic stability) indicates that this missense variant is not expected to disrupt DEAF1 protein function with a negative predictive value of 80%. In summary, the available evidence is currently insufficient to determine the role of this variant in disease. Therefore, it has been classified as a Variant of Uncertain Significance.

NM_021008.4(DEAF1):c.428C>G (p.Thr143Ser)

Gene: DEAF1 (DEAF1 transcription factor; minus strand). Cytogenetic location: 11p15.5.
Variant type: single nucleotide variant.
Coding change: c.428C>G on transcript NM_021008.4 (MANE Select); coding-DNA position 428, C replaced by G.
Protein change: p.Thr143Ser; replaces threonine 143 with serine.
Molecular consequence: missense variant. On other transcripts: 5 prime UTR variant (1).
Genome position (GRCh38, 1-based): chr11:688,420, G>C on the plus strand (C>G on the coding strand, the complement: DEAF1 is on the minus strand). VCF-style: chr11-688420-G-C. GRCh37 (hg19) VCF-style: chr11-688420-G-C.
Other names: c.428C>G, p.Thr143Ser (NM_001293634.2); c.-299C>G (NM_001367390.1); short protein forms T143S.
Identifiers: ClinVar variation 1721875 (VCV001721875.5), dbSNP rs765741994, ClinGen allele CA5786548.